The following is an entry in ClinVar:

NC_000003.11:g.(?_170732238)_(170732540_?)del

Gene: SLC2A2 (solute carrier family 2 member 2; minus strand). Cytogenetic location: 3q26.2.
Variant type: Deletion.
Identifiers: ClinVar variation 2422929 (VCV002422929.4).

ClinVar aggregate classification (germline): Pathogenic (1 of 4 stars; one submission).

Conditions:
Fanconi-Bickel syndrome (FBS). Also called: PSEUDO-PHLORIZIN DIABETES; Glycogen storage disease due to GLUT2 deficiency; FANCONI SYNDROME WITH INTESTINAL MALABSORPTION AND GALACTOSE INTOLERANCE; HEPATIC GLYCOGENOSIS WITH AMINO ACIDURIA AND GLUCOSURIA; HEPATIC GLYCOGENOSIS WITH FANCONI NEPHROPATHY; HEPATORENAL GLYCOGENOSIS WITH RENAL FANCONI SYNDROME. Identifiers: Orphanet 2088, MedGen C3495427, MONDO:0009216, OMIM 227810.

Submission:

Labcorp Genetics (formerly Invitae), Labcorp
Classification: Pathogenic for Fanconi-Bickel syndrome. Last evaluated: 2022-06-29. Review status: criteria provided, single submitter. Criteria: Invitae Variant Classification Sherloc (09022015). Collection method: clinical testing. Allele origin: germline.
Comment: For these reasons, this variant has been classified as Pathogenic. This variant has not been reported in the literature in individuals affected with SLC2A2-related conditions. This variant is a gross deletion of the genomic region encompassing exon(s) 3 of the SLC2A2 gene. This deletion is out-of-frame, and is expected to create a premature termination codon and result in an absent or disrupted protein product. Loss-of-function variants in SLC2A2 are known to be pathogenic (PMID: 11810292).

Literature cited by the submitters: PubMed 11810292.